The following is an entry in ClinVar:

ClinVar aggregate classification (germline): Pathogenic/Likely pathogenic. Review status: criteria provided, multiple submitters, no conflicts (2 of 4 stars). 2 submissions from 2 submitters: Pathogenic (1); Likely pathogenic (1). Last evaluated 2023-05-05.

Conditions:
Meier-Gorlin syndrome (MGORS1). Identifiers: Orphanet 2554, MedGen C1868684, MONDO:0016817. Disease mechanism: gain of function.
Microcephaly, short stature, and limb abnormalities. Identifiers: Orphanet 572773, MedGen C4539873, MONDO:0060533, OMIM 617604.

Allele frequency attached by ClinVar (database versions not stated): gnomAD exomes 0.00001; gnomAD 0.00005; TOPMed 0.00007.
gnomAD v4.1: 18 of 1,614,052 alleles (0.0011%); highest among the groups gnomAD compares: African/African-American, 0.023%; no homozygotes.

Submissions (2):

Illumina Laboratory Services, Illumina
Classification: Likely pathogenic for Microcephaly, short stature, and limb abnormalities. Last evaluated: 2023-05-05. Review status: criteria provided, single submitter. Criteria: ICSLVariantClassificationCriteria RUGD 01 April 2020. Collection method: clinical testing. Allele origin: unknown.
Comment: The DONSON c.494T>C (p.Phe165Ser) missense variant has been reported in a compound heterozygous state in one individual with Meier-Gorlin syndrome (PMID: 31784481). This variant is reported in the Genome Aggregation Database in 5 alleles at a frequency of 0.000174 in the African/African American population (version 3.1.2), which is consistent with estimates of disease prevalence in this population. A functional study conducted in human cell lines demonstrated that this variant impairs normal subcellular localization (PMID: 31784481). Multiple lines of computational evidence suggest this variant may impact the gene or gene product. Based on the evidence, the c.494T>C (p.Phe165Ser) variant is classified as likely pathogenic for microcephaly, short stature, and limb abnormalities.

Bicknell laboratory, University of Otago
Classification: Pathogenic for Meier-Gorlin syndrome. Review status: criteria provided, single submitter. Criteria: ACMG Guidelines, 2015. Collection method: research. Allele origin: inherited. Affected: yes.
Comment: Occurred as compound het with c.607-36G>A

Literature cited by the submitters: PubMed 31784481 (cited by Illumina Laboratory Services, Illumina and Bicknell laboratory, University of Otago).

NM_017613.4(DONSON):c.494T>C (p.Phe165Ser)

Gene: DONSON (DNA replication fork stabilization factor DONSON; minus strand). Cytogenetic location: 21q22.11.
Variant type: single nucleotide variant.
Coding change: c.494T>C on transcript NM_017613.4 (MANE Select); coding-DNA position 494, T replaced by C.
Protein change: p.Phe165Ser; replaces phenylalanine 165 with serine.
Molecular consequence: missense variant.
Genome position (GRCh38, 1-based): chr21:33,586,090, A>G on the plus strand (T>C on the coding strand, the complement: DONSON is on the minus strand). VCF-style: chr21-33586090-A-G. GRCh37 (hg19) VCF-style: chr21-34958396-A-G.
Other names: short protein forms F165S.
Identifiers: ClinVar variation 1173061 (VCV001173061.3), dbSNP rs1010722195, ClinGen allele CA320122748.